The following is an entry in ClinVar:

ClinVar aggregate classification (germline): Likely benign (1 of 4 stars; one submission).

Allele frequency attached by ClinVar (database versions not stated): ExAC 0.00017; gnomAD 0.00025; 1000 Genomes Project 0.00026; TOPMed 0.00041; 1000 Genomes Project 30x 0.00042; ESP Exome Variant Server 0.00047.
gnomAD v4.1: 555 of 1,209,304 alleles (0.046%); highest among the groups gnomAD compares: Non-Finnish European, 0.057%; no homozygotes.

Submission:

CeGaT Center for Human Genetics Tuebingen
Classification: Likely benign. Last evaluated: 2024-06-01. Review status: criteria provided, single submitter. Criteria: CeGaT Center For Human Genetics Tuebingen Variant Classification Criteria Version 2. Collection method: clinical testing. Allele origin: germline. Affected: yes. Observed: 1 variant allele.
Comment: SAT1: PP2, BS2

NM_002970.4(SAT1):c.34G>A (p.Ala12Thr)

Genes: SAT1 (spermidine/spermine N1-acetyltransferase 1; plus strand), LOC126863228 (BRD4-independent group 4 enhancer GRCh37_chrX:23800811-23802010; plus strand). Cytogenetic location: Xp22.11.
Variant type: single nucleotide variant.
Coding change: c.34G>A on transcript NM_002970.4 (MANE Select); coding-DNA position 34, G replaced by A.
Protein change: p.Ala12Thr; replaces alanine 12 with threonine.
Molecular consequence: missense variant. On other transcripts: non-coding transcript variant (1).
Genome position (GRCh38, 1-based): chrX:23,783,385, G>A. VCF-style: chrX-23783385-G-A. GRCh37 (hg19) VCF-style: chrX-23801502-G-A.
Other names: short protein forms A12T.
Identifiers: ClinVar variation 3250627 (VCV003250627.18), dbSNP rs145980431.